The following is an entry in ClinVar:

ClinVar aggregate classification (germline): Uncertain significance (1 of 4 stars; one submission).

Submission:

Labcorp Genetics (formerly Invitae), Labcorp
Classification: Uncertain significance. Last evaluated: 2025-03-19. Review status: criteria provided, single submitter. Criteria: Invitae Variant Classification Sherloc (09022015). Collection method: clinical testing. Allele origin: germline.
Comment: This sequence change replaces methionine, which is neutral and non-polar, with arginine, which is basic and polar, at codon 668 of the DCHS1 protein (p.Met668Arg). This variant is not present in population databases (gnomAD no frequency). This variant has not been reported in the literature in individuals affected with DCHS1-related conditions. Invitae Evidence Modeling of protein sequence and biophysical properties (such as structural, functional, and spatial information, amino acid conservation, physicochemical variation, residue mobility, and thermodynamic stability) indicates that this missense variant is not expected to disrupt DCHS1 protein function with a negative predictive value of 80%. In summary, the available evidence is currently insufficient to determine the role of this variant in disease. Therefore, it has been classified as a Variant of Uncertain Significance.

NM_003737.4(DCHS1):c.2003T>G (p.Met668Arg)

Gene: DCHS1 (dachsous cadherin-related 1; minus strand). Cytogenetic location: 11p15.4.
Variant type: single nucleotide variant.
Coding change: c.2003T>G on transcript NM_003737.4 (MANE Select); coding-DNA position 2003, T replaced by G.
Protein change: p.Met668Arg; replaces methionine 668 with arginine.
Molecular consequence: missense variant.
Genome position (GRCh38, 1-based): chr11:6,634,004, A>C on the plus strand (T>G on the coding strand, the complement: DCHS1 is on the minus strand). VCF-style: chr11-6634004-A-C. GRCh37 (hg19) VCF-style: chr11-6655235-A-C.
Other names: short protein forms M668R.
Identifiers: ClinVar variation 4741782 (VCV004741782.1).